The following is an entry in ClinVar:

ClinVar aggregate classification (germline): Uncertain significance (1 of 4 stars; one submission).

Conditions:
Neuronal ceroid lipofuscinosis. Also called: Neuronal Ceroid Lipofuscinoses. Identifiers: Orphanet 216, Orphanet 79263, MedGen C0027877, MONDO:0016295. Disease mechanism: loss of function.

Submission:

Labcorp Genetics (formerly Invitae), Labcorp
Classification: Uncertain significance for Neuronal ceroid lipofuscinosis. Last evaluated: 2022-08-05. Review status: criteria provided, single submitter. Criteria: Invitae Variant Classification Sherloc (09022015). Collection method: clinical testing. Allele origin: germline.
Comment: This sequence change affects codon 396 of the CLN5 mRNA. It is a 'silent' change, meaning that it does not change the encoded amino acid sequence of the CLN5 protein. Information on the frequency of this variant in the gnomAD database is not available, as this variant may be reported differently in the database. This variant has not been reported in the literature in individuals affected with CLN5-related conditions. Experimental studies and prediction algorithms are not available or were not evaluated, and the effect of this variant on mRNA splicing is currently unknown. In summary, the available evidence is currently insufficient to determine the role of this variant in disease. Therefore, it has been classified as a Variant of Uncertain Significance.

NM_006493.4(CLN5):c.1041_1042delinsCC (p.Pro347_Leu348=)

Gene: CLN5 (CLN5 lysosomal BMP synthase; plus strand). Cytogenetic location: 13q22.3.
Variant type: Indel.
Coding change: c.1041_1042delinsCC on transcript NM_006493.4 (MANE Select); coding-DNA positions 1041 to 1042, TT replaced by CC.
Protein change: p.Pro347_Leu348=.
Molecular consequence: synonymous variant. On other transcripts: 3 prime UTR variant (1).
Genome position (GRCh38, 1-based): chr13:77,000,933-77,000,934, TT replaced by CC. VCF-style: chr13-77000933-TT-CC. GRCh37 (hg19) VCF-style: chr13-77575068-TT-CC.
Other names: c.*490_*491delinsCC (NM_001366624.2).
Identifiers: ClinVar variation 2169971 (VCV002169971.4), dbSNP rs2501158166, ClinGen allele CA2580087740.